The following is an entry in ClinVar:

ClinVar aggregate classification (germline): Uncertain significance (1 of 4 stars; one submission).

Conditions:
Multiple sulfatase deficiency (MSD). Also called: Mucosulfatidosis; Multiple Sulfatase Deficiency Disease; Sulfatidosis, Juvenile, Austin Type. Identifiers: Orphanet 585, MedGen C0268263, MONDO:0010088, OMIM 272200.

Submission:

Labcorp Genetics (formerly Invitae), Labcorp
Classification: Uncertain significance for Multiple sulfatase deficiency. Last evaluated: 2025-12-08. Review status: criteria provided, single submitter. Criteria: Invitae Variant Classification Sherloc (09022015). Collection method: clinical testing. Allele origin: germline.
Comment: This sequence change falls in intron 2 of the SUMF1 gene. It does not directly change the encoded amino acid sequence of the SUMF1 protein. It affects a nucleotide within the consensus splice site. This variant is not present in population databases (gnomAD no frequency). This variant has not been reported in the literature in individuals affected with SUMF1-related conditions. Variants that disrupt the consensus splice site are a relatively common cause of aberrant splicing (PMID: 17576681, 9536098). Algorithms developed to predict the effect of sequence changes on RNA splicing suggest that this variant is not likely to affect RNA splicing. In summary, the available evidence is currently insufficient to determine the role of this variant in disease. Therefore, it has been classified as a Variant of Uncertain Significance.

Literature cited by the submitters: PubMed 17576681; PubMed 9536098.

NM_182760.4(SUMF1):c.444+4A>T

Gene: SUMF1 (sulfatase modifying factor 1; minus strand). Cytogenetic location: 3p26.1.
Variant type: single nucleotide variant.
Coding change: c.444+4A>T on transcript NM_182760.4 (MANE Select); 4 bases into the intron after coding-DNA position 444, A replaced by T.
Molecular consequence: intron variant.
Genome position (GRCh38, 1-based): chr3:4,452,872, T>A on the plus strand (A>T on the coding strand, the complement: SUMF1 is on the minus strand). VCF-style: chr3-4452872-T-A. GRCh37 (hg19) VCF-style: chr3-4494556-T-A.
Other names: c.444+4A>T (NM_001164674.2, NM_001164675.2).
Identifiers: ClinVar variation 4730472 (VCV004730472.1).
Genomic context (GRCh38, chr3:4,452,872, plus strand): 5'-ATTAAAGCATTCTTAAAAGTTCTGGAAAAGAACAAGTTCTCCCTCCTTTCCCCAATCCCA[T>A]TACCTCTGTCAAATAGCCAGTTGAGTTCACAAACTTCTCAAATTCAGTATTACTGACTTC-3'